The following is an entry in ClinVar:

ClinVar aggregate classification (germline): Uncertain significance. Review status: criteria provided, multiple submitters, no conflicts (2 of 4 stars). 7 submissions from 7 submitters: Uncertain significance (7). Last evaluated 2025-04-30.

Conditions:
Glycogen storage disease, type IV (GSD4). Also called: GLYCOGEN BRANCHING ENZYME DEFICIENCY; GLYCOGENOSIS IV; GSD IV; Glycogen storage disease due to glycogen branching enzyme deficiency; AMYLOPECTINOSIS; ANDERSEN DISEASE. Identifiers: Orphanet 367, MedGen C0017923, MONDO:0009292, OMIM 232500.
Glycogen storage disease IV, classic hepatic. Also called: GSD IV, CLASSIC HEPATIC. Identifiers: MedGen C1856301.

Allele frequency attached by ClinVar (database versions not stated): gnomAD 0.00017; TOPMed 0.00018; ESP Exome Variant Server 0.00025; gnomAD exomes 0.00028; ExAC 0.00061.
gnomAD v4.1: 326 of 1,598,090 alleles (0.02%); highest among the groups gnomAD compares: Middle Eastern, 0.32%; no homozygotes.

Submissions (7):

Mayo Clinic Laboratories, Mayo Clinic
Classification: Uncertain significance. Last evaluated: 2025-04-30. Review status: criteria provided, single submitter. Criteria: ACMG Guidelines, 2015. Collection method: clinical testing. Allele origin: germline. Observed: 2 variant alleles.
Comment: PP3

Blueprint Genetics
Classification: Uncertain significance. Last evaluated: 2024-11-18. Review status: criteria provided, single submitter. Criteria: ACMG Guidelines, 2015. Collection method: clinical testing. Allele origin: germline.

CeGaT Center for Human Genetics Tuebingen
Classification: Uncertain significance. Last evaluated: 2024-01-01. Review status: criteria provided, single submitter. Criteria: CeGaT Center For Human Genetics Tuebingen Variant Classification Criteria Version 2. Collection method: clinical testing. Allele origin: germline. Affected: yes. Observed: 1 variant allele.
Comment: GBE1: PM2

Labcorp Genetics (formerly Invitae), Labcorp
Classification: Uncertain significance for Glycogen storage disease, type IV; Glycogen storage disease IV, classic hepatic. Last evaluated: 2022-11-01. Review status: criteria provided, single submitter. Criteria: Invitae Variant Classification Sherloc (09022015). Collection method: clinical testing. Allele origin: germline.
Comment: This sequence change replaces proline, which is neutral and non-polar, with leucine, which is neutral and non-polar, at codon 93 of the GBE1 protein (p.Pro93Leu). This variant is present in population databases (rs200746350, gnomAD 0.04%). This variant has not been reported in the literature in individuals affected with GBE1-related conditions. ClinVar contains an entry for this variant (Variation ID: 1308328). Advanced modeling of protein sequence and biophysical properties (such as structural, functional, and spatial information, amino acid conservation, physicochemical variation, residue mobility, and thermodynamic stability) has been performed at Invitae for this missense variant, however the output from this modeling did not meet the statistical confidence thresholds required to predict the impact of this variant on GBE1 protein function. In summary, the available evidence is currently insufficient to determine the role of this variant in disease. Therefore, it has been classified as a Variant of Uncertain Significance.

Revvity Omics, Revvity
Classification: Uncertain significance. Last evaluated: 2021-09-21. Review status: criteria provided, single submitter. Criteria: ACMG Guidelines, 2015. Collection method: clinical testing. Allele origin: germline.

GeneDx
Classification: Uncertain significance. Last evaluated: 2019-04-04. Review status: criteria provided, single submitter. Criteria: GeneDx Variant Classification Process June 2021. Collection method: clinical testing. Allele origin: germline. Affected: yes.
Comment: In silico analysis, which includes protein predictors and evolutionary conservation, supports a deleterious effect; Has not been previously published as pathogenic or benign to our knowledge

Breakthrough Genomics
Classification: Uncertain significance. Review status: criteria provided, single submitter. Criteria: ACMG Guidelines, 2015. Collection method: not provided. Allele origin: germline. Inheritance: Autosomal recessive inheritance. Affected: yes.

NM_000158.4(GBE1):c.278C>T (p.Pro93Leu)

Gene: GBE1 (1,4-alpha-glucan branching enzyme 1; minus strand). Cytogenetic location: 3p12.2.
Variant type: single nucleotide variant.
Coding change: c.278C>T on transcript NM_000158.4 (MANE Select); coding-DNA position 278, C replaced by T.
Protein change: p.Pro93Leu; replaces proline 93 with leucine.
Molecular consequence: missense variant.
Genome position (GRCh38, 1-based): chr3:81,705,479, G>A on the plus strand (C>T on the coding strand, the complement: GBE1 is on the minus strand). VCF-style: chr3-81705479-G-A. GRCh37 (hg19) VCF-style: chr3-81754630-G-A.
Other names: p.Pro93Leu; short protein forms P93L.
Identifiers: ClinVar variation 1308328 (VCV001308328.33), dbSNP rs200746350, ClinGen allele CA2500024.